The following is an entry in ClinVar:

NM_007294.4(BRCA1):c.4060A>C (p.Asn1354His)

Genes: BRCA1 (BRCA1 DNA repair associated; minus strand), LOC126862571 (BRD4-independent group 4 enhancer GRCh37_chr17:41243136-41244335; plus strand). Cytogenetic location: 17q21.31.
Variant type: single nucleotide variant.
Coding change: c.4060A>C on transcript NM_007294.4 (MANE Select); coding-DNA position 4060, A replaced by C.
Protein change: p.Asn1354His; replaces asparagine 1354 with histidine.
Molecular consequence: missense variant. On other transcripts: intron variant (135).
Genome position (GRCh38, 1-based): chr17:43,091,471, T>G on the plus strand (A>C on the coding strand, the complement: BRCA1 is on the minus strand). VCF-style: chr17-43091471-T-G. GRCh37 (hg19) VCF-style: chr17-41243488-T-G.
Other names: c.3937A>C, p.Asn1313His (NM_001407937.1, NM_001407938.1, NM_001407939.1 and 19 more transcripts); c.3934A>C, p.Asn1312His (NM_001407940.1, NM_001407941.1, NM_001407649.1 and 11 more transcripts); c.3919A>C, p.Asn1307His (NM_001407942.1, NM_001407944.1, NM_001407945.1 and 29 more transcripts); c.3916A>C, p.Asn1306His (NM_001407943.1, NM_001407964.1, NM_001407847.1 and 20 more transcripts); c.3727A>C, p.Asn1243His (NM_001407947.1, NM_001407949.1, NM_001407946.1 and 6 more transcripts); c.4060A>C, p.Asn1354His (NM_001407593.1, NM_001407594.1, NM_001407596.1 and 30 more transcripts); c.4057A>C, p.Asn1353His (NM_001407610.1, NM_001407611.1, NM_001407860.1 and 22 more transcripts); c.3676A>C, p.Asn1226His (NM_001407962.1); and 41 more; short protein forms N1226H, N1266H, N1286H, N1287H, N1313H, N486H, N1227H, N1284H.
Identifiers: ClinVar variation 4215099 (VCV004215099.1).
Genomic context (GRCh38, chr17:43,091,471, plus strand): 5'-AACACAAAAACCTGGTTCCAATACCTAAGTTTGAATCCATGCTTTGCTCTTCTTGATTAT[T>G]TTCTTCCAAGCCCGTTCCTCTTTCTTCATCATCTGAAACCAATTCCTTGTCACTCAGACC-3'
Protein context (NP_009225.1, residues 1344-1364): DEERGTGLEE[Asn1354His]NQEEQSMDSN

ClinVar aggregate classification (germline): Uncertain significance (1 of 4 stars; one submission).

Conditions:
Hereditary cancer-predisposing syndrome. Also called: Neoplastic Syndromes, Hereditary; Tumor predisposition; Hereditary Cancer Syndrome; Hereditary neoplastic syndrome. Identifiers: Orphanet 140162, MedGen C0027672, MeSH D009386, MONDO:0015356.

Submission:

Ambry Genetics
Classification: Uncertain significance for Hereditary cancer-predisposing syndrome. Last evaluated: 2025-07-28. Review status: criteria provided, single submitter. Criteria: Ambry Variant Classification Scheme 2023. Collection method: clinical testing. Allele origin: germline.
Comment: The p.N1354H variant (also known as c.4060A>C), located in coding exon 9 of the BRCA1 gene, results from an A to C substitution at nucleotide position 4060. The asparagine at codon 1354 is replaced by histidine, an amino acid with similar properties. This amino acid position is conserved. In addition, the in silico prediction for this alteration is inconclusive. Based on the available evidence, the clinical significance of this variant remains unclear.